The following is an entry in ClinVar:

NM_015409.5(EP400):c.2132C>T (p.Ala711Val)

Gene: EP400 (E1A binding protein p400; plus strand). Cytogenetic location: 12q24.33.
Variant type: single nucleotide variant.
Coding change: c.2132C>T on transcript NM_015409.5 (MANE Select); coding-DNA position 2132, C replaced by T.
Protein change: p.Ala711Val; replaces alanine 711 with valine.
Molecular consequence: missense variant.
Genome position (GRCh38, 1-based): chr12:131,986,716, C>T. VCF-style: chr12-131986716-C-T. GRCh37 (hg19) VCF-style: chr12-132471261-C-T.
Other names: short protein forms A711V.
Identifiers: ClinVar variation 2643618 (VCV002643618.24), dbSNP rs1046861467, ClinGen allele CA246178392.
Genomic context (GRCh38, chr12:131,986,716, plus strand): 5'-CTTCCTCAGCCACCAATAAGGCACTATCTCCAGTCACTTCCCGGACCCCAGGGGTGGTGG[C>T]ATCTGCCCCCACCAAACCACAGAGTCCTGCTCAGAATGCCACCTCGTCCCAAGACAGTTC-3'
Protein context (NP_056224.3, residues 701-721): PVTSRTPGVV[Ala711Val]SAPTKPQSPA

ClinVar aggregate classification (germline): Uncertain significance (1 of 4 stars; one submission).

Allele frequency attached by ClinVar (database versions not stated): gnomAD exomes below 0.00001; TOPMed 0.00001.

Submission:

CeGaT Center for Human Genetics Tuebingen
Classification: Uncertain significance. Last evaluated: 2022-07-01. Review status: criteria provided, single submitter. Criteria: CeGaT Center For Human Genetics Tuebingen Variant Classification Criteria Version 2. Collection method: clinical testing. Allele origin: germline. Affected: yes. Observed: 1 variant allele.
Comment: EP400: PM2, BP4